The following is an entry in ClinVar:

ClinVar aggregate classification (germline): Uncertain significance (1 of 4 stars; one submission).

Submission:

Labcorp Genetics (formerly Invitae), Labcorp
Classification: Uncertain significance. Last evaluated: 2023-10-03. Review status: criteria provided, single submitter. Criteria: Invitae Variant Classification Sherloc (09022015). Collection method: clinical testing. Allele origin: germline.
Comment: This sequence change replaces serine, which is neutral and polar, with leucine, which is neutral and non-polar, at codon 1652 of the EYS protein (p.Ser1652Leu). This variant is not present in population databases (gnomAD no frequency). This variant has not been reported in the literature in individuals affected with EYS-related conditions. ClinVar contains an entry for this variant (Variation ID: 1439486). Advanced modeling of protein sequence and biophysical properties (such as structural, functional, and spatial information, amino acid conservation, physicochemical variation, residue mobility, and thermodynamic stability) has been performed at Invitae for this missense variant, however the output from this modeling did not meet the statistical confidence thresholds required to predict the impact of this variant on EYS protein function. In summary, the available evidence is currently insufficient to determine the role of this variant in disease. Therefore, it has been classified as a Variant of Uncertain Significance.

NM_001142800.2(EYS):c.4955C>T (p.Ser1652Leu)

Gene: EYS (EGF-like photoreceptor maintenance factor; minus strand). Cytogenetic location: 6q12.
Variant type: single nucleotide variant.
Coding change: c.4955C>T on transcript NM_001142800.2 (MANE Select); coding-DNA position 4955, C replaced by T.
Protein change: p.Ser1652Leu; replaces serine 1652 with leucine.
Molecular consequence: missense variant.
Genome position (GRCh38, 1-based): chr6:64,590,912, G>A on the plus strand (C>T on the coding strand, the complement: EYS is on the minus strand). VCF-style: chr6-64590912-G-A. GRCh37 (hg19) VCF-style: chr6-65300805-G-A.
Other names: c.4955C>T, p.Ser1652Leu (NM_001292009.2); short protein forms S1652L.
Identifiers: ClinVar variation 1439486 (VCV001439486.8), dbSNP rs909730457, ClinGen allele CA364782175.